The following is an entry in ClinVar:

ClinVar aggregate classification (germline): Benign/Likely benign. Review status: criteria provided, multiple submitters, no conflicts (2 of 4 stars). 3 submissions from 3 submitters: Benign (1); Likely benign (2). Last evaluated 2026-01-14.

Conditions:
Hereditary cancer-predisposing syndrome. Also called: Neoplastic Syndromes, Hereditary; Hereditary neoplastic syndrome; Tumor predisposition; Hereditary Cancer Syndrome. Identifiers: Orphanet 140162, MedGen C0027672, MeSH D009386, MONDO:0015356.
Hereditary diffuse gastric adenocarcinoma (HDGC). Also called: DIFFUSE GASTRIC AND LOBULAR BREAST CANCER SYNDROME. Identifiers: Orphanet 26106, MedGen C1708349, MONDO:0007648, OMIM 137215.

Allele frequency attached by ClinVar (database versions not stated): gnomAD 0.00001; gnomAD exomes 0.00001 and 0.00003; TOPMed 0.00003; ExAC 0.00004.
gnomAD v4.1: 9 of 1,613,870 alleles (0.00056%); highest among the groups gnomAD compares: Admixed American, 0.013%; no homozygotes.

Submissions (3):

Labcorp Genetics (formerly Invitae), Labcorp
Classification: Likely benign. Last evaluated: 2026-01-14. Review status: criteria provided, single submitter. Criteria: Invitae Variant Classification Sherloc (09022015). Collection method: clinical testing. Allele origin: germline.

Myriad Genetics, Inc.
Classification: Benign for Hereditary diffuse gastric adenocarcinoma. Last evaluated: 2024-10-14. Review status: criteria provided, single submitter. Criteria: Myriad Autosomal Dominant, Autosomal Recessive and X-Linked Classification Criteria (2023). Collection method: clinical testing. Allele origin: unknown.
Comment: This variant is considered benign. This variant is a silent/synonymous amino acid change and it is not expected to impact splicing.

Ambry Genetics
Classification: Likely benign for Hereditary cancer-predisposing syndrome. Last evaluated: 2021-08-04. Review status: criteria provided, single submitter. Criteria: Ambry Variant Classification Scheme 2023. Collection method: clinical testing. Allele origin: germline.

NM_001903.5(CTNNA1):c.2067C>T (p.Ala689=)

Gene: CTNNA1 (catenin alpha 1; plus strand). Cytogenetic location: 5q31.2.
Variant type: single nucleotide variant.
Coding change: c.2067C>T on transcript NM_001903.5 (MANE Select); coding-DNA position 2067, C replaced by T.
Protein change: p.Ala689=; no amino-acid change (alanine 689 retained).
Molecular consequence: synonymous variant.
Genome position (GRCh38, 1-based): chr5:138,930,529, C>T. VCF-style: chr5-138930529-C-T. GRCh37 (hg19) VCF-style: chr5-138266218-C-T.
Other names: c.2067C>T, p.Ala689= (NM_001290307.3, NM_001323982.2, NM_001323983.1 and 2 more transcripts); c.1758C>T, p.Ala586= (NM_001290309.3); c.1698C>T, p.Ala566= (NM_001290310.3); c.957C>T, p.Ala319= (NM_001290312.1, NM_001323987.1, NM_001323988.1 and 17 more transcripts); c.1974C>T, p.Ala658= (NM_001323986.2); c.618C>T, p.Ala206= (NM_001324006.1, NM_001324007.1, NM_001324008.1 and 2 more transcripts); c.864C>T, p.Ala288= (NM_001324011.1); c.714C>T, p.Ala238= (NM_001324012.1, NM_001324013.1).
Identifiers: ClinVar variation 783262 (VCV000783262.14), dbSNP rs746966629, ClinGen allele CA3432115.